The following is an entry in ClinVar:

NM_019098.5(CNGB3):c.1080dup (p.Leu361fs)

Gene: CNGB3 (cyclic nucleotide gated channel subunit beta 3; minus strand). Cytogenetic location: 8q21.3.
Variant type: Duplication.
Coding change: c.1080dup on transcript NM_019098.5 (MANE Select); coding-DNA position 1080, one base duplicated (G; older notation c.1080dupG).
Protein change: p.Leu361fs; shifts the reading frame from leucine 361.
Molecular consequence: frameshift variant.
Genome position (GRCh38, 1-based): chr8:86,643,849, C duplicated on the plus strand (G on the coding strand, the reverse complement: CNGB3 is on the minus strand). VCF-style (leftmost placement, unchanged base first): chr8-86643848-G-GC. GRCh37 (hg19) VCF-style: chr8-87656076-G-GC.
Other names: short protein forms L361fs.
Identifiers: ClinVar variation 3648697 (VCV003648697.2).

ClinVar aggregate classification (germline): Pathogenic (1 of 4 stars; one submission).

Submission:

Labcorp Genetics (formerly Invitae), Labcorp
Classification: Pathogenic. Last evaluated: 2024-04-09. Review status: criteria provided, single submitter. Criteria: Invitae Variant Classification Sherloc (09022015). Collection method: clinical testing. Allele origin: germline.
Comment: This sequence change creates a premature translational stop signal (p.Leu361Alafs*7) in the CNGB3 gene. It is expected to result in an absent or disrupted protein product. Loss-of-function variants in CNGB3 are known to be pathogenic (PMID: 28795510). This variant is not present in population databases (gnomAD no frequency). This variant has not been reported in the literature in individuals affected with CNGB3-related conditions. For these reasons, this variant has been classified as Pathogenic.

Literature cited by the submitters: PubMed 28795510.